The following is an entry in ClinVar:

ClinVar aggregate classification (germline): Conflicting classifications of pathogenicity. Review status: criteria provided, conflicting classifications (1 of 4 stars). 8 submissions from 8 submitters: Uncertain significance (5); Likely benign (3). Last evaluated 2025-12-08.

Conditions:
Familial hypercholesterolemia. Also called: Familial hypercholesterolemias; Familial hypercholesterolaemia. Identifiers: MedGen C0020445, MONDO:0005439.
Hypercholesterolemia, autosomal dominant, 3 (FHCL3). Also called: Familial Hypercholesterolemia, Autosomal Dominant, 3; Familial hypercholesterolemia 3; PCSK9-Related Familial Hypercholesterolemia, Autosomal Dominant. Identifiers: MedGen C1863551, MONDO:0011369, OMIM 603776.
Cardiovascular phenotype. Identifiers: MedGen CN230736.

Submissions (8):

Ambry Genetics
Classification: Likely benign for Cardiovascular phenotype. Last evaluated: 2025-12-08. Review status: criteria provided, single submitter. Criteria: Ambry Variant Classification Scheme 2023. Collection method: clinical testing. Allele origin: germline.

Quest Diagnostics Nichols Institute San Juan Capistrano
Classification: Likely benign. Last evaluated: 2025-09-29. Review status: criteria provided, single submitter. Criteria: Quest Diagnostics criteria. Collection method: clinical testing. Allele origin: unknown.

Labcorp Genetics (formerly Invitae), Labcorp
Classification: Uncertain significance for Hypercholesterolemia, autosomal dominant, 3. Last evaluated: 2025-08-20. Review status: criteria provided, single submitter. Criteria: Invitae Variant Classification Sherloc (09022015). Collection method: clinical testing. Allele origin: germline.
Comment: This variant, c.54_65dup, results in the insertion of 4 amino acid(s) of the PCSK9 protein (p.Leu20_Leu23dup), but otherwise preserves the integrity of the reading frame. This variant is present in population databases (rs371488778, gnomAD 0.03%). This variant has not been reported in the literature in individuals affected with PCSK9-related conditions. ClinVar contains an entry for this variant (Variation ID: 662731). Experimental studies and prediction algorithms are not available or were not evaluated, and the functional significance of this variant is currently unknown. In summary, the available evidence is currently insufficient to determine the role of this variant in disease. Therefore, it has been classified as a Variant of Uncertain Significance.

Mayo Clinic Laboratories, Mayo Clinic
Classification: Likely benign. Last evaluated: 2025-04-16. Review status: criteria provided, single submitter. Criteria: ACMG Guidelines, 2015. Collection method: clinical testing. Allele origin: germline. Observed: 2 variant alleles.

GeneDx
Classification: Uncertain significance. Last evaluated: 2025-04-11. Review status: criteria provided, single submitter. Criteria: GeneDx Variant Classification Process June 2021. Collection method: clinical testing. Allele origin: germline. Affected: yes.
Comment: In-frame duplication of 4 amino acids in a repetitive region with no known function; Has not been previously published as pathogenic or benign to our knowledge

Color Diagnostics, LLC DBA Color Health
Classification: Uncertain significance for Familial hypercholesterolemia. Last evaluated: 2024-03-21. Review status: criteria provided, single submitter. Criteria: ACMG Guidelines, 2015. Collection method: clinical testing. Allele origin: germline.
Comment: This variant causes an in-frame insertion of four leucine residues in a leucine-rich stretch at exon 1 of the PCSK9 protein. To our knowledge, functional studies have not been reported for this variant. This variant has not been reported in individuals affected with PCSK9-related disorders in the literature. This variant has been identified in 14/192344 chromosomes in the general population by the Genome Aggregation Database (gnomAD). The available evidence is insufficient to determine the role of this variant in disease conclusively. Therefore, this variant is classified as a Variant of Uncertain Significance.

New York Genome Center
Classification: Uncertain significance for Hypercholesterolemia, autosomal dominant, 3. Last evaluated: 2022-09-12. Review status: criteria provided, single submitter. Criteria: NYGC Assertion Criteria 2020. Collection method: clinical testing. Allele origin: germline. Observed: 1 variant allele.
Comment: The c.54_65dup variant located in exon 1 of this 12-exon gene is predicted to add four Leucine amino acids [p.(Leu20_Leu23dup)] to a stretch of nine consecutive Leucine amino acids without causing a shift in the reading frame (in-frame duplication). This variant has not been previously reported in the literature and is observedin 36 alleles (0.0071% minor allele frequency with 0 homozygotes) in population databases (gnomAD v2.1.1 and v3.1.2, TOPMed Freeze 8) suggesting it is not a common benign variant in the populations represented in those databases. This variant has been deposited in ClinVar [ClinVar ID: 662731] as a Variant of Uncertain Significance (3 entries). In silico predictions are not available for this variant. Based on available evidence, this c.54_65dup p.(Leu20_Leu23dup) variant identified in PCSK9 is classified as a Variant of Uncertain Significance.

Fulgent Genetics
Classification: Uncertain significance for Hypercholesterolemia, autosomal dominant, 3. Last evaluated: 2021-10-20. Review status: criteria provided, single submitter. Criteria: ACMG Guidelines, 2015. Collection method: clinical testing. Allele origin: unknown.

NM_174936.4(PCSK9):c.45GCT[11] (p.Leu20_Leu23dup)

Gene: PCSK9 (proprotein convertase subtilisin/kexin type 9; plus strand). Cytogenetic location: 1p32.3.
Variant type: Microsatellite.
Coding change: c.45GCT[11] on transcript NM_174936.4 (MANE Select); 11 copies in a row of the 3-base unit GCT starting at c.45; the reference has seven copies in a row; four copies, 12 bases duplicated; also written c.54_65dup.
Protein change: p.Leu20_Leu23dup.
Molecular consequence: inframe insertion.
Genome position (GRCh38, 1-based): chr1:55,039,891-55,039,902, GCTGCTGCTGCT duplicated; duplicating any 12 consecutive bases within chr1:55,039,880-55,039,902 gives the same sequence; the position shown is the placement nearest the transcript's 3' end. VCF-style (leftmost placement, unchanged base first): chr1-55039879-A-ACTGCTGCTGCTG. GRCh37 (hg19) VCF-style: chr1-55505552-A-ACTGCTGCTGCTG.
Other names: p.Leu20_Leu23dup; c.54_65dupGCTGCTGCTGCT (NM_174936.3); c.54_65dup (NM_174936.4).
Identifiers: ClinVar variation 662731 (VCV000662731.20), dbSNP rs35574083, ClinGen allele CA871470.